The following is an entry in ClinVar:

NM_022051.3(EGLN1):c.518T>C (p.Leu173Pro)

Gene: EGLN1 (egl-9 family hypoxia inducible factor 1; minus strand). Cytogenetic location: 1q42.2.
Variant type: single nucleotide variant.
Coding change: c.518T>C on transcript NM_022051.3 (MANE Select); coding-DNA position 518, T replaced by C.
Protein change: p.Leu173Pro; replaces leucine 173 with proline.
Molecular consequence: missense variant.
Genome position (GRCh38, 1-based): chr1:231,421,371, A>G on the plus strand (T>C on the coding strand, the complement: EGLN1 is on the minus strand). VCF-style: chr1-231421371-A-G. GRCh37 (hg19) VCF-style: chr1-231557117-A-G.
Other names: c.518T>C, p.Leu173Pro (NM_001377260.1, NM_001377261.1); short protein forms L173P.
Identifiers: ClinVar variation 1745909 (VCV001745909.2), dbSNP rs2527359705, ClinGen allele CA345236746.

ClinVar aggregate classification (germline): Uncertain significance (1 of 4 stars; one submission).

Submission:

Ambry Genetics
Classification: Uncertain significance. Last evaluated: 2021-07-28. Review status: criteria provided, single submitter. Criteria: Ambry Variant Classification Scheme 2023. Collection method: clinical testing. Allele origin: germline.
Comment: The p.L173P variant (also known as c.518T>C), located in coding exon 1 of the EGLN1 gene, results from a T to C substitution at nucleotide position 518. The leucine at codon 173 is replaced by proline, an amino acid with similar properties. This amino acid position is conserved. In addition, this alteration is predicted to be tolerated by in silico analysis. Since supporting evidence is limited at this time, the clinical significance of this alteration remains unclear.